The following is an entry in ClinVar:

NM_000083.3(CLCN1):c.1308C>T (p.His436=)

Gene: CLCN1 (chloride voltage-gated channel 1; plus strand). Cytogenetic location: 7q34.
Variant type: single nucleotide variant.
Coding change: c.1308C>T on transcript NM_000083.3 (MANE Select); coding-DNA position 1308, C replaced by T.
Protein change: p.His436=; no amino-acid change (histidine 436 retained).
Molecular consequence: synonymous variant.
Genome position (GRCh38, 1-based): chr7:143,332,780, C>T. VCF-style: chr7-143332780-C-T. GRCh37 (hg19) VCF-style: chr7-143029873-C-T.
Other names: c.1308C>T (NM_000083.2).
Identifiers: ClinVar variation 1567866 (VCV001567866.10), dbSNP rs772518279, ClinGen allele CA4537317.

ClinVar aggregate classification (germline): Likely benign. Review status: criteria provided, single submitter (1 of 4 stars). 2 submissions from 2 submitters: Likely benign (1). 1 of the submissions does not count toward it. Last evaluated 2026-01-27.

Conditions:
CLCN1-related disorder. Also called: CLCN1-related condition.
Congenital myotonia, autosomal dominant form (THD). Also called: THOMSEN DISEASE; Myotonia congenita autosomal dominant. Identifiers: Orphanet 614, MedGen C2936781, MONDO:0008055, OMIM 160800.
Congenital myotonia, autosomal recessive form. Also called: myotonia congenita, autosomal recessive; BECKER DISEASE; Becker Generalized Myotonia. Identifiers: Orphanet 614, MedGen C0751360, MONDO:0009715, OMIM 255700.

Allele frequency attached by ClinVar (database versions not stated): TOPMed below 0.00001; gnomAD 0.00001; ExAC 0.00002; gnomAD exomes 0.00002.
gnomAD v4.1: 24 of 1,614,010 alleles (0.0015%); highest among the groups gnomAD compares: South Asian, 0.014%; no homozygotes.

Submissions (2):

Labcorp Genetics (formerly Invitae), Labcorp
Classification: Likely benign for Congenital myotonia, autosomal recessive form; Congenital myotonia, autosomal dominant form. Last evaluated: 2026-01-27. Review status: criteria provided, single submitter. Criteria: Invitae Variant Classification Sherloc (09022015). Collection method: clinical testing. Allele origin: germline.

PreventionGenetics, part of Exact Sciences
Classification: Likely benign for CLCN1-related condition. Last evaluated: 2019-06-19. Review status: no assertion criteria provided. Collection method: clinical testing. Allele origin: germline. Not counted in ClinVar's aggregate classification.
Comment: This variant is classified as likely benign based on ACMG/AMP sequence variant interpretation guidelines (Richards et al. 2015 PMID: 25741868, with internal and published modifications).